The following is an entry in ClinVar:

NM_013275.6(ANKRD11):c.7470+6T>G

Gene: ANKRD11 (ankyrin repeat domain 11; minus strand). Cytogenetic location: 16q24.3.
Variant type: single nucleotide variant.
Coding change: c.7470+6T>G on transcript NM_013275.6 (MANE Select); 6 bases into the intron after coding-DNA position 7470, T replaced by G.
Molecular consequence: intron variant.
Genome position (GRCh38, 1-based): chr16:89,279,066, A>C on the plus strand (T>G on the coding strand, the complement: ANKRD11 is on the minus strand). VCF-style: chr16-89279066-A-C. GRCh37 (hg19) VCF-style: chr16-89345474-A-C.
Other names: c.7470+6T>G (NM_001256183.2, NM_001256182.2).
Identifiers: ClinVar variation 3728803 (VCV003728803.2).
Genomic context (GRCh38, chr16:89,279,066, plus strand): 5'-GTGACTAGGGGCCCCAGACGCATCCCAGAGAGAGAAGGCAGTGGCTCTCCCGGGCCCCGC[A>C]CTCACCACGGGGATGTGGAGCTTGCTGAGCGGCTTGCCGTCCAGGAGGTAGGAGCCCGTG-3'

ClinVar aggregate classification (germline): Uncertain significance (1 of 4 stars; one submission).

Conditions:
KBG syndrome (KBGS). Also called: ANKRD11-Related KBG Syndrome. Identifiers: Orphanet 2332, MedGen C0220687, MONDO:0007846, OMIM 148050.

Submission:

Labcorp Genetics (formerly Invitae), Labcorp
Classification: Uncertain significance for KBG syndrome. Last evaluated: 2025-01-11. Review status: criteria provided, single submitter. Criteria: Invitae Variant Classification Sherloc (09022015). Collection method: clinical testing. Allele origin: germline.
Comment: This sequence change falls in intron 9 of the ANKRD11 gene. It does not directly change the encoded amino acid sequence of the ANKRD11 protein. It affects a nucleotide within the consensus splice site. This variant is not present in population databases (gnomAD no frequency). This variant has not been reported in the literature in individuals affected with ANKRD11-related conditions. Variants that disrupt the consensus splice site are a relatively common cause of aberrant splicing (PMID: 17576681, 9536098). Algorithms developed to predict the effect of sequence changes on RNA splicing suggest that this variant is not likely to affect RNA splicing. In summary, the available evidence is currently insufficient to determine the role of this variant in disease. Therefore, it has been classified as a Variant of Uncertain Significance.

Literature cited by the submitters: PubMed 17576681; PubMed 9536098.